The following is an entry in ClinVar:

NM_000038.6(APC):c.5281A>T (p.Asn1761Tyr)

Gene: APC (APC regulator of Wnt signaling pathway; plus strand). Cytogenetic location: 5q22.2.
Variant type: single nucleotide variant.
Coding change: c.5281A>T on transcript NM_000038.6 (MANE Select); coding-DNA position 5281, A replaced by T.
Protein change: p.Asn1761Tyr; replaces asparagine 1761 with tyrosine.
Molecular consequence: missense variant. On other transcripts: non-coding transcript variant (2).
Genome position (GRCh38, 1-based): chr5:112,840,875, A>T. VCF-style: chr5-112840875-A-T. GRCh37 (hg19) VCF-style: chr5-112176572-A-T.
Other names: c.5281A>T, p.Asn1761Tyr (NM_001127510.3, NM_001354895.2, NM_001407450.1); c.5227A>T, p.Asn1743Tyr (NM_001127511.3); c.5335A>T, p.Asn1779Tyr (NM_001354896.2, NM_001407447.1, NM_001407448.1 and 1 more transcripts); c.5311A>T, p.Asn1771Tyr (NM_001354897.2); c.5206A>T, p.Asn1736Tyr (NM_001354898.2); c.5197A>T, p.Asn1733Tyr (NM_001354899.2); c.5158A>T, p.Asn1720Tyr (NM_001354900.2); c.5104A>T, p.Asn1702Tyr (NM_001354901.2, NM_001407453.1); and 11 more; short protein forms N1601Y, N1632Y, N1751Y, N1478Y, N1635Y, N1670Y, N1733Y, N1736Y.
Identifiers: ClinVar variation 2452746 (VCV002452746.2), dbSNP rs2149936467, ClinGen allele CA16032874.

ClinVar aggregate classification (germline): Uncertain significance (1 of 4 stars; one submission).

Conditions:
Hereditary cancer-predisposing syndrome. Also called: Neoplastic Syndromes, Hereditary; Tumor predisposition; Hereditary neoplastic syndrome; Hereditary Cancer Syndrome. Identifiers: Orphanet 140162, MedGen C0027672, MeSH D009386, MONDO:0015356.

Submission:

Ambry Genetics
Classification: Uncertain significance for Hereditary cancer-predisposing syndrome. Last evaluated: 2023-02-17. Review status: criteria provided, single submitter. Criteria: Ambry Variant Classification Scheme 2023. Collection method: clinical testing. Allele origin: germline.
Comment: The p.N1761Y variant (also known as c.5281A>T), located in coding exon 15 of the APC gene, results from an A to T substitution at nucleotide position 5281. The asparagine at codon 1761 is replaced by tyrosine, an amino acid with dissimilar properties. This amino acid position is conserved. In addition, in silico predictors for this gene do not accurately predict pathogenicity. Since supporting evidence is limited at this time, the clinical significance of this alteration remains unclear.